The following is an entry in ClinVar:

ClinVar aggregate classification (germline): Pathogenic (1 of 4 stars; one submission).

Conditions:
Very long chain acyl-CoA dehydrogenase deficiency (ACADVLD). Also called: VLCAD Deficiency; Very Long-Chain Acyl-Coenzyme A Dehydrogenase Deficiency. Identifiers: Orphanet 26793, MedGen C3887523, MONDO:0008723, OMIM 201475.

Submission:

Myriad Genetics, Inc.
Classification: Pathogenic for Very long chain acyl-CoA dehydrogenase deficiency. Last evaluated: 2024-04-24. Review status: criteria provided, single submitter. Criteria: Myriad Autosomal Dominant, Autosomal Recessive and X-Linked Classification Criteria (2023). Collection method: clinical testing. Allele origin: unknown.
Comment: NM_000018.3(ACADVL):c.468C>A(C156*) is expected to be pathogenic in the context of very-long-chain acyl-CoA dehydrogenase deficiency. This variant is predicted to lead to an abnormal or absent protein product due to the creation of a premature termination codon in ACADVL, a gene where loss-of-function variants are known to be pathogenic. Please note: this variant was assessed in the context of healthy population screening.

NM_000018.4(ACADVL):c.468C>A (p.Cys156Ter)

Gene: ACADVL (acyl-CoA dehydrogenase very long chain; plus strand). Cytogenetic location: 17p13.1.
Variant type: single nucleotide variant.
Coding change: c.468C>A on transcript NM_000018.4 (MANE Select); coding-DNA position 468, C replaced by A.
Protein change: p.Cys156Ter; replaces cysteine 156 with a stop codon.
Molecular consequence: nonsense.
Genome position (GRCh38, 1-based): chr17:7,221,049, C>A. VCF-style: chr17-7221049-C-A. GRCh37 (hg19) VCF-style: chr17-7124368-C-A.
Other names: c.402C>A, p.Cys134Ter (NM_001033859.3); c.537C>A, p.Cys179Ter (NM_001270447.2); c.240C>A, p.Cys80Ter (NM_001270448.2); short protein forms C134*, C156*, C179*, C80*.
Identifiers: ClinVar variation 5012953 (VCV005012953.1).
Genomic context (GRCh38, chr17:7,221,049, plus strand): 5'-CAAGGAGCTGGGGGCCTTTGGTCTGCAAGTGCCCAGTGAGCTGGGTGGTGTGGGCCTTTG[C>A]AACACCCAGGTGAGGGCGCCCTATCGCCACATCCCAGTATGCCATACCCCAGCTTGGCAG-3'